The following is an entry in ClinVar:

NM_013328.4(PYCR2):c.193G>A (p.Val65Ile)

Gene: PYCR2 (pyrroline-5-carboxylate reductase 2; minus strand). Cytogenetic location: 1q42.12.
Variant type: single nucleotide variant.
Coding change: c.193G>A on transcript NM_013328.4 (MANE Select); coding-DNA position 193, G replaced by A.
Protein change: p.Val65Ile; replaces valine 65 with isoleucine.
Molecular consequence: missense variant.
Genome position (GRCh38, 1-based): chr1:225,922,329, C>T on the plus strand (G>A on the coding strand, the complement: PYCR2 is on the minus strand). VCF-style: chr1-225922329-C-T. GRCh37 (hg19) VCF-style: chr1-226110029-C-T.
Other names: c.193G>A, p.Val65Ile (NM_001271681.2); c.193G>A (NM_013328.2); short protein forms V65I.
Identifiers: ClinVar variation 1345482 (VCV001345482.8), dbSNP rs150712428, ClinGen allele CA1420307.

ClinVar aggregate classification (germline): Uncertain significance. Review status: criteria provided, multiple submitters, no conflicts (2 of 4 stars). 2 submissions from 2 submitters: Uncertain significance (2). Last evaluated 2024-10-07.

Conditions:
Inborn genetic diseases. Identifiers: MedGen C0950123, MeSH D030342.

Allele frequency attached by ClinVar (database versions not stated): gnomAD 0.00012 and 0.00013; gnomAD exomes 0.00012 and 0.00016; TOPMed 0.00012; ESP Exome Variant Server 0.00015; 1000 Genomes Project 30x 0.00016; ExAC 0.00017; 1000 Genomes Project 0.00020.

Submissions (2):

Labcorp Genetics (formerly Invitae), Labcorp
Classification: Uncertain significance. Last evaluated: 2024-10-07. Review status: criteria provided, single submitter. Criteria: Invitae Variant Classification Sherloc (09022015). Collection method: clinical testing. Allele origin: germline.
Comment: This sequence change replaces valine, which is neutral and non-polar, with isoleucine, which is neutral and non-polar, at codon 65 of the PYCR2 protein (p.Val65Ile). This variant is present in population databases (rs150712428, gnomAD 0.03%). This variant has not been reported in the literature in individuals affected with PYCR2-related conditions. ClinVar contains an entry for this variant (Variation ID: 1345482). Invitae Evidence Modeling of protein sequence and biophysical properties (such as structural, functional, and spatial information, amino acid conservation, physicochemical variation, residue mobility, and thermodynamic stability) indicates that this missense variant is not expected to disrupt PYCR2 protein function with a negative predictive value of 80%. In summary, the available evidence is currently insufficient to determine the role of this variant in disease. Therefore, it has been classified as a Variant of Uncertain Significance.

Ambry Genetics
Classification: Uncertain significance for Inborn genetic diseases. Last evaluated: 2021-08-16. Review status: criteria provided, single submitter. Criteria: Ambry Variant Classification Scheme 2023. Collection method: clinical testing. Allele origin: germline.